The following is an entry in ClinVar:

ClinVar aggregate classification (germline): Pathogenic/Likely pathogenic. Review status: criteria provided, multiple submitters, no conflicts (2 of 4 stars). 6 submissions from 6 submitters: Pathogenic (3); Likely pathogenic (1). 2 of the submissions do not count toward it. Last evaluated 2024-11-19.

Conditions:
PURA-related severe neonatal hypotonia-seizures-encephalopathy syndrome (NEDRIHF). Also called: NEURODEVELOPMENTAL DISORDER WITH NEONATAL RESPIRATORY INSUFFICIENCY, HYPOTONIA, AND FEEDING DIFFICULTIES; PURA-Related Neurodevelopmental Disorders. Identifiers: Orphanet 438213, Orphanet 438216, MedGen C4015357, MONDO:1060108, OMIM 616158, MONDO:0018580.
Neonatal hypotonia. Identifiers: MedGen C2267233, HP:0001319.
Global developmental delay (DD). Also called: Cognitive delay. Identifiers: MedGen C0557874, HP:0001263. Disease mechanism: loss of function.
Intellectual disability. Also called: Intellectual developmental disorder; Intellectual functioning disability; intellectual disabilities. Identifiers: MedGen C3714756, MeSH D008607, MONDO:0001071, HP:0001249.
Delayed speech and language development. Also called: Language delay. Identifiers: MedGen C0454644, HP:0000750.
Seizure. Also called: Seizures. Identifiers: MedGen C0036572, HP:0001250.

Submissions (6):

3billion
Classification: Pathogenic for PURA-related severe neonatal hypotonia-seizures-encephalopathy syndrome. Last evaluated: 2024-11-19. Review status: criteria provided, single submitter. Criteria: ACMG Guidelines, 2015. Collection method: clinical testing. Allele origin: germline. Affected: yes.
Comment: The variant is not observed in the gnomAD v4.1.0 dataset. Predicted Consequence/Location: Missense variant In silico tool predictions suggest damaging effect of the variant on gene or gene product [REVEL: 0.91 (>=0.6, sensitivity 0.68 and specificity 0.92); 3Cnet: 0.99 (>=0.6, sensitivity 0.72 and precision 0.9)]. The same nucleotide change resulting in the same amino acid change has been previously reported as pathogenic/likely pathogenic with strong evidence (ClinVar ID: VCV000156413 /PMID: 25439098). The variant has been previously reported as de novo in a similarly affected individual (PMID: 29150892). Therefore, this variant is classified as Pathogenic according to the recommendation of ACMG/AMP guideline.

GeneDx
Classification: Pathogenic. Last evaluated: 2020-01-29. Review status: criteria provided, single submitter. Criteria: GeneDx Variant Classification Process June 2021. Collection method: clinical testing. Allele origin: germline. Affected: yes.
Comment: Not observed in large population cohorts (Lek et al., 2016); In silico analysis, which includes protein predictors and evolutionary conservation, supports a deleterious effect; This variant is associated with the following publications: (PMID: 29150892, 25439098)

Labcorp Genetics (formerly Invitae), Labcorp
Classification: Likely pathogenic for PURA-related severe neonatal hypotonia-seizures-encephalopathy syndrome. Last evaluated: 2017-09-15. Review status: criteria provided, single submitter. Criteria: Invitae Variant Classification Sherloc (09022015). Collection method: clinical testing. Allele origin: germline.
Comment: This sequence change replaces arginine with proline at codon 199 of the PURA protein (p.Arg199Pro). The arginine residue is highly conserved and there is a moderate physicochemical difference between arginine and proline. This variant is not present in population databases (ExAC no frequency). This variant has been reported to be de novo an individual affected with seizures, hypotonia and feeding difficulties (PMID: 25439098). ClinVar contains an entry for this variant (Variation ID: 156413). Algorithms developed to predict the effect of missense changes on protein structure and function do not agree on the potential impact of this missense change (SIFT: "Deleterious"; PolyPhen-2: "Probably Damaging"; Align-GVGD: "Class C0"). In summary, the currently available evidence indicates that the variant is pathogenic, but additional data are needed to prove that conclusively. Therefore, this variant has been classified as Likely Pathogenic.

Laboratoire de Génétique Moléculaire, CHU Bordeaux
Classification: Pathogenic. Review status: criteria provided, single submitter. Criteria: ACMG Guidelines, 2015. Collection method: clinical testing. Allele origin: germline. Affected: yes.

Whole genome laboratory; Baylor College of Medicine
Classification: Pathogenic for Neonatal hypotonia; Delayed speech and language development; Intellectual disability; Global developmental delay; Seizures. Last evaluated: 2014-09-15. Review status: no assertion criteria provided. Collection method: clinical testing. Allele origin: germline. Affected: yes. Observed: 1 variant allele. Study: Clinical exome sequencing test. Not counted in ClinVar's aggregate classification.
Comment: Sporadic neonatal hypotonia, developmental delay, speech impairment, sleep apnea, and intellectual disability

GeneReviews
No classification provided. Condition: PURA-related severe neonatal hypotonia-seizures-encephalopathy syndrome. Review status: no classification provided. Collection method: literature only. Allele origin: germline. Not counted in ClinVar's aggregate classification.

Literature cited by the submitters: PubMed 29150892 (cited by 3billion); PubMed 25439098 (cited by 3billion and Labcorp Genetics (formerly Invitae), Labcorp); NCBI Bookshelf NBK426063 (cited by GeneReviews); PubMed 28448108 (cited by GeneReviews).

NM_005859.5(PURA):c.596G>C (p.Arg199Pro)

Gene: PURA (purine rich element binding protein A; plus strand). Cytogenetic location: 5q31.3.
Variant type: single nucleotide variant.
Coding change: c.596G>C on transcript NM_005859.5 (MANE Select); coding-DNA position 596, G replaced by C.
Protein change: p.Arg199Pro; replaces arginine 199 with proline.
Molecular consequence: missense variant.
Genome position (GRCh38, 1-based): chr5:140,114,777, G>C. VCF-style: chr5-140114777-G-C. GRCh37 (hg19) VCF-style: chr5-139494362-G-C.
Other names: short protein forms R199P.
Identifiers: ClinVar variation 156413 (VCV000156413.15), dbSNP rs587783001, ClinGen allele CA249904.